The following is an entry in ClinVar:

ClinVar aggregate classification (germline): Uncertain significance (1 of 4 stars; one submission).

Conditions:
Autosomal recessive limb-girdle muscular dystrophy type 2O. Also called: Limb-Girdle Muscular Dystrophy Type 3C; MUSCULAR DYSTROPHY-DYSTROGLYCANOPATHY (LIMB-GIRDLE), TYPE C, 3; MUSCULAR DYSTROPHY-DYSTROGLYCANOPATHY, LIMB-GIRDLE, POMGNT1-RELATED. Identifiers: Orphanet 206564, MedGen C3150417, MONDO:0013161, OMIM 613157.
Muscular dystrophy-dystroglycanopathy (congenital with impaired intellectual development), type B, 3. Also called: MUSCULAR DYSTROPHY, CONGENITAL, POMGNT1-RELATED; Muscular dystrophy-dystroglycanopathy (congenital with intellectual disability), type B3. Identifiers: MedGen C3150412, MONDO:0013155, OMIM 613151.

Allele frequency attached by ClinVar (database versions not stated): TOPMed 0.00001.
gnomAD v4.1: 1 of 1,606,184 alleles (0.000062%); highest among the groups gnomAD compares: African/African-American, 0.0013%; no homozygotes.

Submission:

Labcorp Genetics (formerly Invitae), Labcorp
Classification: Uncertain significance for Autosomal recessive limb-girdle muscular dystrophy type 2O; Muscular dystrophy-dystroglycanopathy (congenital with impaired intellectual development), type B, 3. Last evaluated: 2022-06-15. Review status: criteria provided, single submitter. Criteria: Invitae Variant Classification Sherloc (09022015). Collection method: clinical testing. Allele origin: germline.
Comment: This sequence change replaces proline, which is neutral and non-polar, with leucine, which is neutral and non-polar, at codon 169 of the POMGNT1 protein (p.Pro169Leu). This variant is not present in population databases (gnomAD no frequency). This variant has not been reported in the literature in individuals affected with POMGNT1-related conditions. ClinVar contains an entry for this variant (Variation ID: 1041526). Advanced modeling of protein sequence and biophysical properties (such as structural, functional, and spatial information, amino acid conservation, physicochemical variation, residue mobility, and thermodynamic stability) performed at Invitae indicates that this missense variant is not expected to disrupt POMGNT1 protein function. In summary, the available evidence is currently insufficient to determine the role of this variant in disease. Therefore, it has been classified as a Variant of Uncertain Significance.

NM_017739.4(POMGNT1):c.506C>T (p.Pro169Leu)

Genes: POMGNT1 (protein O-linked mannose N-acetylglucosaminyltransferase 1 (beta 1,2-); minus strand), TSPAN1 (tetraspanin 1; plus strand). Cytogenetic location: 1p34.1.
Variant type: single nucleotide variant.
Coding change: c.506C>T on transcript NM_017739.4 (MANE Select); coding-DNA position 506, C replaced by T.
Protein change: p.Pro169Leu; replaces proline 169 with leucine.
Molecular consequence: missense variant.
Genome position (GRCh38, 1-based): chr1:46,195,839, G>A on the plus strand (C>T on the coding strand, the complement: POMGNT1 is on the minus strand). VCF-style: chr1-46195839-G-A. GRCh37 (hg19) VCF-style: chr1-46661511-G-A.
Other names: c.506C>T, p.Pro169Leu (NM_001243766.2, NM_001410783.1); c.440C>T, p.Pro147Leu (NM_001290129.3); c.77C>T, p.Pro26Leu (NM_001290130.2); short protein forms P26L, P147L, P169L.
Identifiers: ClinVar variation 1041526 (VCV001041526.2), dbSNP rs1271259700, ClinGen allele CA340188089.
Genomic context (GRCh38, chr1:46,195,839, plus strand): 5'-GTAGGGGTCAGGGTCAGGACAGAATAACTGACCTTGACAGTGCAGATGAGCACTCGGCCG[G>A]GCGCTACCATGTTGAGGAATAGCACCATGGCCTCATCCTCATGAGGTGAGTACGTGTCAA-3'
Protein context (NP_060209.4, residues 159-179): AMVLFLNMVA[Pro169Leu]GRVLICTVKD